The following is an entry in ClinVar:

NM_025265.4(TSEN2):c.*292G>T

Gene: TSEN2 (tRNA splicing endonuclease subunit 2; plus strand). Cytogenetic location: 3p25.2.
Variant type: single nucleotide variant.
Coding change: c.*292G>T on transcript NM_025265.4 (MANE Select); 292 bases downstream of the stop codon, G replaced by T.
Molecular consequence: 3 prime UTR variant. On other transcripts: intron variant (1).
Genome position (GRCh38, 1-based): chr3:12,533,013, G>T. VCF-style: chr3-12533013-G-T. GRCh37 (hg19) VCF-style: chr3-12574512-G-T.
Other names: c.*292G>T (NM_001145392.2, NM_001145393.3, NM_001145394.2 and 2 more transcripts); c.1338+1354G>T (NM_001321278.2).
Identifiers: ClinVar variation 343086 (VCV000343086.8), dbSNP rs299643, ClinGen allele CA10617083.

ClinVar aggregate classification (germline): Benign. Review status: criteria provided, multiple submitters, no conflicts (2 of 4 stars). 3 submissions from 3 submitters: Benign (3). Last evaluated 2018-06-19.

Conditions:
Pontoneocerebellar hypoplasia. Also called: Pontocerebellar hypoplasia; Non-syndromic pontocerebellar hypoplasia. Identifiers: Orphanet 98523, MedGen C1261175, MONDO:0020135.

Allele frequency attached by ClinVar (database versions not stated): 1000 Genomes Project 30x 0.43223; 1000 Genomes Project 0.42192; TOPMed 0.51144; gnomAD 0.50169.
gnomAD v4.1: 225,865 of 507,360 alleles (45%); highest among the groups gnomAD compares: African/African-American, 70%; 54,584 homozygotes.

Submissions (3):

GeneDx
Classification: Benign. Last evaluated: 2018-06-19. Review status: criteria provided, single submitter. Criteria: GeneDx Variant Classification Process June 2021. Collection method: clinical testing. Allele origin: germline. Affected: yes.

Illumina Laboratory Services, Illumina
Classification: Benign for Pontoneocerebellar hypoplasia. Last evaluated: 2018-01-13. Review status: criteria provided, single submitter. Criteria: ICSL Variant Classification Criteria 13 December 2019. Collection method: clinical testing. Allele origin: germline.
Comment: This variant was observed in the ICSL laboratory as part of a predisposition screen in an ostensibly healthy population. It had not been previously curated by ICSL or reported in the Human Gene Mutation Database (HGMD: prior to June 1st, 2018), and was therefore a candidate for classification through an automated scoring system. Utilizing variant allele frequency, disease prevalence and penetrance estimates, and inheritance mode, an automated score was calculated to assess if this variant is too frequent to cause the disease. Based on the score and internal cut-off values, a variant classified as benign is not then subjected to further curation. The score for this variant resulted in a classification of benign for this disease.

Breakthrough Genomics
Classification: Benign. Review status: criteria provided, single submitter. Criteria: ACMG Guidelines, 2015. Collection method: not provided. Allele origin: germline. Inheritance: Autosomal recessive inheritance. Affected: yes.